The following is an entry in ClinVar:

NM_001040108.2(MLH3):c.2752G>T (p.Asp918Tyr)

Gene: MLH3 (mutL homolog 3; minus strand). Cytogenetic location: 14q24.3.
Variant type: single nucleotide variant.
Coding change: c.2752G>T on transcript NM_001040108.2 (MANE Select); coding-DNA position 2752, G replaced by T.
Protein change: p.Asp918Tyr; replaces aspartic acid 918 with tyrosine.
Molecular consequence: missense variant.
Genome position (GRCh38, 1-based): chr14:75,046,904, C>A on the plus strand (G>T on the coding strand, the complement: MLH3 is on the minus strand). VCF-style: chr14-75046904-C-A. GRCh37 (hg19) VCF-style: chr14-75513607-C-A.
Other names: c.2752G>T, p.Asp918Tyr (NM_014381.3); short protein forms D918Y.
Identifiers: ClinVar variation 958013 (VCV000958013.14), dbSNP rs762167939, ClinGen allele CA7275645.

ClinVar aggregate classification (germline): Uncertain significance. Review status: criteria provided, multiple submitters, no conflicts (2 of 4 stars). 3 submissions from 3 submitters: Uncertain significance (3). Last evaluated 2024-12-09.

Conditions:
Colorectal cancer, hereditary nonpolyposis, type 7. Identifiers: Orphanet 144, MedGen C1858380, MONDO:0013725, OMIM 614385.
Endometrial carcinoma. Also called: Endometrial carcinoma, somatic. Identifiers: MedGen C0476089, MONDO:0002447, OMIM 608089, HP:0012114.
Colorectal cancer. Also called: Malignant Colorectal Neoplasm; Colorectal cancer, somatic. Identifiers: MedGen C0346629, MONDO:0005575, OMIM 114500.

Allele frequency attached by ClinVar (database versions not stated): ExAC 0.00001; gnomAD exomes 0.00001; gnomAD 0.00003 and 0.00004; TOPMed 0.00007.
gnomAD v4.1: 15 of 1,613,810 alleles (0.00093%); highest among the groups gnomAD compares: African/African-American, 0.013%; no homozygotes.

Submissions (3):

Labcorp Genetics (formerly Invitae), Labcorp
Classification: Uncertain significance for Colorectal cancer, hereditary nonpolyposis, type 7. Last evaluated: 2024-12-09. Review status: criteria provided, single submitter. Criteria: Invitae Variant Classification Sherloc (09022015). Collection method: clinical testing. Allele origin: germline.
Comment: This sequence change replaces aspartic acid, which is acidic and polar, with tyrosine, which is neutral and polar, at codon 918 of the MLH3 protein (p.Asp918Tyr). This variant is present in population databases (rs762167939, gnomAD 0.008%). This variant has not been reported in the literature in individuals affected with MLH3-related conditions. ClinVar contains an entry for this variant (Variation ID: 958013). An algorithm developed to predict the effect of missense changes on protein structure and function (PolyPhen-2) suggests that this variant is likely to be disruptive. In summary, the available evidence is currently insufficient to determine the role of this variant in disease. Therefore, it has been classified as a Variant of Uncertain Significance.

Ambry Genetics
Classification: Uncertain significance. Last evaluated: 2024-09-10. Review status: criteria provided, single submitter. Criteria: Ambry Variant Classification Scheme 2023. Collection method: clinical testing. Allele origin: germline.

Department of Pathology and Laboratory Medicine, Sinai Health System
Classification: Uncertain significance for Colorectal cancer; Endometrial carcinoma; Colorectal cancer, hereditary nonpolyposis, type 7. Last evaluated: 2023-01-13. Review status: criteria provided, single submitter. Criteria: ACMG Guidelines, 2015. Collection method: clinical testing. Allele origin: germline. Affected: yes.